The following is an entry in ClinVar:

ClinVar aggregate classification (germline): Uncertain significance (1 of 4 stars; one submission).

Conditions:
Gastrointestinal stromal tumor. Also called: Gastrointestinal stromal tumor, somatic; Gastrointestinal stroma tumor. Identifiers: Orphanet 44890, MedGen C0238198, MeSH D046152, MONDO:0011719, OMIM 606764, HP:0100723.

Submission:

Labcorp Genetics (formerly Invitae), Labcorp
Classification: Uncertain significance for Gastrointestinal stromal tumor. Last evaluated: 2025-06-10. Review status: criteria provided, single submitter. Criteria: Invitae Variant Classification Sherloc (09022015). Collection method: clinical testing. Allele origin: germline.
Comment: This sequence change falls in intron 8 of the PDGFRA gene. It does not directly change the encoded amino acid sequence of the PDGFRA protein. This variant is not present in population databases (gnomAD no frequency). This variant has not been reported in the literature in individuals affected with PDGFRA-related conditions. Algorithms developed to predict the effect of sequence changes on RNA splicing suggest that this variant may disrupt the consensus splice site. In summary, the available evidence is currently insufficient to determine the role of this variant in disease. Therefore, it has been classified as a Variant of Uncertain Significance.

NM_006206.6(PDGFRA):c.1238-21_1238-11del

Gene: PDGFRA (platelet derived growth factor receptor alpha; plus strand). Cytogenetic location: 4q12.
Variant type: Deletion.
Coding change: c.1238-21_1238-11del on transcript NM_006206.6 (MANE Select); 21 bases into the intron before coding-DNA position 1238 through 11 bases into the intron before coding-DNA position 1238, 11 bases deleted (ACTTCTTTCTG).
Molecular consequence: intron variant.
Genome position (GRCh38, 1-based): chr4:54,272,373-54,272,383, ACTTCTTTCTG deleted; deleting any 11 consecutive bases within chr4:54,272,368-54,272,383 gives the same sequence; the c. name uses the placement nearest the transcript's 3' end. VCF-style (leftmost placement, unchanged base first): chr4-54272367-ATTCTGACTTCT-A. GRCh37 (hg19) VCF-style: chr4-55138534-ATTCTGACTTCT-A.
Other names: c.1313-21_1313-11del (NM_001347828.2); c.1238-21_1238-11del (NM_001347827.2, NM_001347829.2); c.1277-21_1277-11del (NM_001347830.2).
Identifiers: ClinVar variation 4721115 (VCV004721115.1).